The following is an entry in ClinVar:

NM_003640.5(ELP1):c.2529T>C (p.His843=)

Gene: ELP1 (elongator acetyltransferase complex subunit 1; minus strand). Cytogenetic location: 9q31.3.
Variant type: single nucleotide variant.
Coding change: c.2529T>C on transcript NM_003640.5 (MANE Select); coding-DNA position 2529, T replaced by C.
Protein change: p.His843=; no amino-acid change (histidine 843 retained).
Molecular consequence: synonymous variant.
Genome position (GRCh38, 1-based): chr9:108,897,011, A>G on the plus strand (T>C on the coding strand, the complement: ELP1 is on the minus strand). VCF-style: chr9-108897011-A-G. GRCh37 (hg19) VCF-style: chr9-111659291-A-G.
Other names: c.2529T>C (LRG_251t1); c.2187T>C, p.His729= (NM_001318360.2); c.1482T>C, p.His494= (NM_001330749.2).
Identifiers: ClinVar variation 455961 (VCV000455961.14), dbSNP rs757233952, ClinGen allele CA5174612.

ClinVar aggregate classification (germline): Likely benign. Review status: criteria provided, multiple submitters, no conflicts (2 of 4 stars). 4 submissions from 4 submitters: Likely benign (3). 1 of the submissions does not count toward it. Last evaluated 2025-12-30.

Conditions:
Familial dysautonomia. Also called: FD; HSAN III. Identifiers: Orphanet 1764, MedGen C0013364, MONDO:0009131, OMIM 223900. Disease mechanism: loss of function.

Allele frequency attached by ClinVar (database versions not stated): gnomAD exomes 0.00002; gnomAD 0.00001; TOPMed 0.00001; ExAC 0.00002.
gnomAD v4.1: 25 of 1,614,006 alleles (0.0015%); highest among the groups gnomAD compares: Admixed American, 0.0033%; no homozygotes.

Submissions (4):

Labcorp Genetics (formerly Invitae), Labcorp
Classification: Likely benign. Last evaluated: 2025-12-30. Review status: criteria provided, single submitter. Criteria: Invitae Variant Classification Sherloc (09022015). Collection method: clinical testing. Allele origin: germline.

Ambry Genetics
Classification: Likely benign. Last evaluated: 2019-07-11. Review status: criteria provided, single submitter. Criteria: Ambry Variant Classification Scheme 2023. Collection method: clinical testing. Allele origin: germline.

GeneDx
Classification: Likely benign. Last evaluated: 2017-03-16. Review status: criteria provided, single submitter. Criteria: GeneDx Variant Classification (06012015). Collection method: clinical testing. Allele origin: germline. Affected: yes.
Comment: This variant is considered likely benign or benign based on one or more of the following criteria: it is a conservative change, it occurs at a poorly conserved position in the protein, it is predicted to be benign by multiple in silico algorithms, and/or has population frequency not consistent with disease.

Natera, Inc.
Classification: Likely benign for Familial dysautonomia. Last evaluated: 2020-09-16. Review status: no assertion criteria provided. Collection method: clinical testing. Allele origin: germline. Not counted in ClinVar's aggregate classification.